The following is an entry in ClinVar:

NM_000059.4(BRCA2):c.6634_6637del (p.Cys2212fs)

Gene: BRCA2 (BRCA2 DNA repair associated; plus strand). Cytogenetic location: 13q13.1.
Variant type: Deletion.
Coding change: c.6634_6637del on transcript NM_000059.4 (MANE Select); coding-DNA positions 6634 to 6637, 4 bases deleted (TGTT; older notation c.6634_6637delTGTT).
Protein change: p.Cys2212fs; shifts the reading frame from cysteine 2212.
Molecular consequence: frameshift variant.
Genome position (GRCh38, 1-based): chr13:32,340,989-32,340,992, TGTT deleted; deleting any 4 consecutive bases within chr13:32,340,986-32,340,992 gives the same sequence; the c. name uses the placement nearest the transcript's 3' end. VCF-style (leftmost placement, unchanged base first): chr13-32340985-AGTTT-A. GRCh37 (hg19) VCF-style: chr13-32915122-AGTTT-A.
Other names: c.6634_6637delTGTT (NM_000059.3).
Identifiers: ClinVar variation 52140 (VCV000052140.18), dbSNP rs397507871, ClinGen allele CA024232.

ClinVar aggregate classification (germline): Pathogenic. Review status: reviewed by expert panel (3 of 4 stars). 8 submissions from 8 submitters: Pathogenic (1). 7 of the submissions do not count toward it. Last evaluated 2016-09-08.

Conditions:
Hereditary breast ovarian cancer syndrome. Also called: Hereditary breast and ovarian cancer syndrome; Hereditary breast and ovarian cancer; Hereditary breast and ovarian cancer syndrome (HBOC); Breast and ovarian cancer; Hereditary breast and/or ovarian cancer syndrome; BRCA1- and BRCA2-Associated Hereditary Breast and Ovarian Cancer. Identifiers: Orphanet 145, MedGen C0677776, MeSH D061325, MONDO:0003582. Disease mechanism: loss of function.
Familial cancer of breast. Also called: BREAST CANCER, FAMILIAL; Hereditary breast cancer; hereditary breast carcinoma. Identifiers: Orphanet 227535, MedGen C0346153, MONDO:0016419, OMIM 114480. Disease mechanism: loss of function.
BRCA2-related cancer predisposition. Identifiers: MedGen CN377758, MONDO:0700269.
Hereditary cancer-predisposing syndrome. Also called: Neoplastic Syndromes, Hereditary; Tumor predisposition; Hereditary neoplastic syndrome; Hereditary Cancer Syndrome. Identifiers: Orphanet 140162, MedGen C0027672, MeSH D009386, MONDO:0015356.
Breast-ovarian cancer, familial, susceptibility to, 2 (BROVCA2). Also called: BRCA2 Hereditary Breast and Ovarian Cancer. Identifiers: Orphanet 145, MedGen C2675520, MONDO:0012933, OMIM 612555. Disease mechanism: loss of function.

Submissions (8):

Evidence-based Network for the Interpretation of Germline Mutant Alleles (ENIGMA)
Classification: Pathogenic for Breast-ovarian cancer, familial, susceptibility to, 2. Last evaluated: 2016-09-08. Review status: reviewed by expert panel. Criteria: ENIGMA BRCA1/2 Classification Criteria (2015). Collection method: curation. Allele origin: germline.
Comment: Variant allele predicted to encode a truncated non-functional protein.

Labcorp Genetics (formerly Invitae), Labcorp
Classification: Pathogenic for Hereditary breast ovarian cancer syndrome. Last evaluated: 2025-05-04. Review status: criteria provided, single submitter. Criteria: Invitae Variant Classification Sherloc (09022015). Collection method: clinical testing. Allele origin: germline. Not counted in ClinVar's aggregate classification.
Comment: This sequence change creates a premature translational stop signal (p.Cys2212Leufs*16) in the BRCA2 gene. It is expected to result in an absent or disrupted protein product. Loss-of-function variants in BRCA2 are known to be pathogenic (PMID: 20104584). This variant is not present in population databases (gnomAD no frequency). This premature translational stop signal has been observed in individual(s) with breast cancer (PMID: 18006916). This variant is also known as 6862del4. ClinVar contains an entry for this variant (Variation ID: 52140). For these reasons, this variant has been classified as Pathogenic.

Department of Pathology and Laboratory Medicine, Sinai Health System
Classification: Pathogenic for BRCA2-related cancer predisposition. Last evaluated: 2025-01-10. Review status: criteria provided, single submitter. Criteria: ACMG Guidelines, 2015. Collection method: clinical testing. Allele origin: germline. Not counted in ClinVar's aggregate classification.

Baylor Genetics
Classification: Pathogenic for Familial cancer of breast. Last evaluated: 2023-10-05. Review status: criteria provided, single submitter. Criteria: ACMG Guidelines, 2015. Collection method: clinical testing. Allele origin: unknown. Not counted in ClinVar's aggregate classification.

Ambry Genetics
Classification: Pathogenic for Hereditary cancer-predisposing syndrome. Last evaluated: 2023-06-07. Review status: criteria provided, single submitter. Criteria: Ambry Variant Classification Scheme 2023. Collection method: clinical testing. Allele origin: germline. Not counted in ClinVar's aggregate classification.
Comment: The c.6634_6637delTGTT pathogenic mutation, located in coding exon 10 of the BRCA2 gene, results from a deletion of 4 nucleotides at nucleotide positions 6634 to 6637, causing a translational frameshift with a predicted alternate stop codon (p.C2212Lfs*16). This alteration was previously described in a breast/ovarian cancer cohort and resulted in BRCA2 protein truncation (Ang P et al. Cancer. Epidemiol. Biomarkers Prev. 2007 Nov; 16(11):2276-84), as well as a patient with early-onset triple negative breast cancer and a family history of breast/ ovarian cancer (Abdel-Razeq H et al. BMC Cancer. 2018 02;18:152). Of note, this alteration is also designated as 6862del4 in the published literature. In addition to the clinical data presented in the literature, this alteration is expected to result in loss of function by premature protein truncation or nonsense-mediated mRNA decay. As such, this alteration is interpreted as a disease-causing mutation.

Consortium of Investigators of Modifiers of BRCA1/2 (CIMBA), c/o University of Cambridge
Classification: Pathogenic for Breast-ovarian cancer, familial, susceptibility to, 2. Last evaluated: 2015-10-02. Review status: criteria provided, single submitter. Criteria: CIMBA Mutation Classification guidelines May 2016. Collection method: clinical testing. Allele origin: germline. Not counted in ClinVar's aggregate classification.

Clinical Genetics DNA and cytogenetics Diagnostics Lab, Erasmus MC, Erasmus Medical Center
Classification: Pathogenic for Breast-ovarian cancer, familial, susceptibility to, 2. Last evaluated: 2015-09-21. Review status: criteria provided, single submitter. Criteria: ACGS Guidelines, 2013. Collection method: clinical testing. Allele origin: germline. Affected: yes. Study: VKGL Data-share Consensus. Not counted in ClinVar's aggregate classification.

Diagnostic Laboratory, Department of Genetics, University Medical Center Groningen
Classification: Pathogenic for Breast-ovarian cancer, familial, susceptibility to, 2. Review status: no assertion criteria provided. Collection method: clinical testing. Allele origin: germline. Affected: yes. Study: VKGL Data-share Consensus. Not counted in ClinVar's aggregate classification.

Literature cited by the submitters: PubMed 20104584 (cited by Labcorp Genetics (formerly Invitae), Labcorp); PubMed 18006916 (cited by 3 submitters); PubMed 33471991 (cited by Department of Pathology and Laboratory Medicine, Sinai Health System); PubMed 29409476 (cited by Department of Pathology and Laboratory Medicine, Sinai Health System and Ambry Genetics).